The following is an entry in ClinVar:

NM_016103.4(SAR1B):c.20G>A (p.Trp7Ter)

Gene: SAR1B (secretion associated Ras related GTPase 1B; minus strand). Cytogenetic location: 5q31.1.
Variant type: single nucleotide variant.
Coding change: c.20G>A on transcript NM_016103.4 (MANE Select); coding-DNA position 20, G replaced by A.
Protein change: p.Trp7Ter; replaces tryptophan 7 with a stop codon.
Molecular consequence: nonsense.
Genome position (GRCh38, 1-based): chr5:134,624,000, C>T on the plus strand (G>A on the coding strand, the complement: SAR1B is on the minus strand). VCF-style: chr5-134624000-C-T. GRCh37 (hg19) VCF-style: chr5-133959690-C-T.
Other names: c.20G>A, p.Trp7Ter (NM_001033503.3); short protein forms W7*.
Identifiers: ClinVar variation 3675283 (VCV003675283.2).

ClinVar aggregate classification (germline): Pathogenic (1 of 4 stars; one submission).

gnomAD v4.1: 2 of 1,611,360 alleles (0.00012%); highest among the groups gnomAD compares: Non-Finnish European, 0.00017%; no homozygotes.

Submission:

Labcorp Genetics (formerly Invitae), Labcorp
Classification: Pathogenic. Last evaluated: 2025-06-10. Review status: criteria provided, single submitter. Criteria: Invitae Variant Classification Sherloc (09022015). Collection method: clinical testing. Allele origin: germline.
Comment: This sequence change creates a premature translational stop signal (p.Trp7*) in the SAR1B gene. It is expected to result in an absent or disrupted protein product. Loss-of-function variants in SAR1B are known to be pathogenic (PMID: 12692552, 17945526). This variant is not present in population databases (gnomAD no frequency). This variant has not been reported in the literature in individuals affected with SAR1B-related conditions. ClinVar contains an entry for this variant (Variation ID: 3675283). For these reasons, this variant has been classified as Pathogenic.

Literature cited by the submitters: PubMed 12692552; PubMed 17945526.